The following is an entry in ClinVar:

ClinVar aggregate classification (germline): Uncertain significance (1 of 4 stars; one submission).

Conditions:
SIN3B-related disorder. Also called: SIN3B-related condition.

Allele frequency attached by ClinVar (database versions not stated): TOPMed below 0.00001; gnomAD exomes 0.00001.
gnomAD v4.1: 3 of 1,613,958 alleles (0.00019%); highest among the groups gnomAD compares: Non-Finnish European, 0.00025%; no homozygotes.

Submission:

PreventionGenetics, part of Exact Sciences
Classification: Uncertain significance for SIN3B-related condition. Last evaluated: 2025-10-14. Review status: criteria provided, single submitter. Criteria: ACMG Guidelines, 2015. Collection method: clinical testing. Allele origin: germline.
Comment: The SIN3B c.2436G>T variant is predicted to result in the amino acid substitution p.Glu812Asp. To our knowledge, this variant has not been reported in the literature or in a large population database (gnomAD), indicating this variant is rare. At this time, the clinical significance of this variant is uncertain due to the absence of conclusive functional and genetic evidence.

NM_001297595.2(SIN3B):c.2340G>T (p.Glu780Asp)

Gene: SIN3B (SIN3 transcription regulator family member B; plus strand). Cytogenetic location: 19p13.11.
Variant type: single nucleotide variant.
Coding change: c.2340G>T on transcript NM_001297595.2 (MANE Select); coding-DNA position 2340, G replaced by T.
Protein change: p.Glu780Asp; replaces glutamic acid 780 with aspartic acid.
Molecular consequence: missense variant.
Genome position (GRCh38, 1-based): chr19:16,869,993, G>T. VCF-style: chr19-16869993-G-T. GRCh37 (hg19) VCF-style: chr19-16980804-G-T.
Other names: c.1110G>T, p.Glu370Asp (NM_001297597.2); c.2436G>T, p.Glu812Asp (NM_015260.4); short protein forms E370D, E780D, E812D.
Identifiers: ClinVar variation 2631283 (VCV002631283.2), dbSNP rs2051487390, ClinGen allele CA404644251.